The following is an entry in ClinVar:

ClinVar aggregate classification (germline): Pathogenic (1 of 4 stars; one submission).

Submission:

GeneDx
Classification: Pathogenic. Last evaluated: 2023-05-19. Review status: criteria provided, single submitter. Criteria: GeneDx Variant Classification Process June 2021. Collection method: clinical testing. Allele origin: germline. Affected: yes.
Comment: Not observed at significant frequency in large population cohorts (gnomAD); Canonical splice site variant predicted to result in a null allele in a gene for which loss of function is a known mechanism of disease; This variant is associated with the following publications: (PMID: 34003604)

NM_001367943.1(TCF7L2):c.553-1G>A

Gene: TCF7L2 (transcription factor 7 like 2; plus strand). Cytogenetic location: 10q25.3.
Variant type: single nucleotide variant.
Coding change: c.553-1G>A on transcript NM_001367943.1 (MANE Select); the canonical splice acceptor site of the intron before coding-DNA position 553, G replaced by A.
Molecular consequence: splice acceptor variant.
Genome position (GRCh38, 1-based): chr10:113,141,183, G>A. VCF-style: chr10-113141183-G-A. GRCh37 (hg19) VCF-style: chr10-114900942-G-A.
Other names: c.553-1G>A (NM_001363501.2, NM_001146274.2, NM_001198531.2); c.625-1G>A (NM_001146283.2); c.484-1G>A (NM_001198525.2, NM_001198528.2, NM_030756.5 and 6 more transcripts); c.382-1G>A (NM_001198530.2); c.4-1G>A (NM_001349871.1); c.124-1G>A (NM_001349870.2).
Identifiers: ClinVar variation 2503276 (VCV002503276.1), dbSNP rs2136838531, ClinGen allele CA378405670.